The following is an entry in ClinVar:

ClinVar aggregate classification (germline): Pathogenic (1 of 4 stars; one submission).

Conditions:
Neurofibromatosis, type 1 (NF1). Also called: Neurofibromatosis, type I; VON RECKLINGHAUSEN DISEASE; NEUROFIBROMATOSIS, TYPE I, SOMATIC; Peripheral type neurofibromatosis. Identifiers: Orphanet 636, MedGen C0027831, MONDO:0018975, OMIM 162200. Disease mechanism: loss of function.

Submission:

Labcorp Genetics (formerly Invitae), Labcorp
Classification: Pathogenic for Neurofibromatosis, type 1. Last evaluated: 2022-01-12. Review status: criteria provided, single submitter. Criteria: Invitae Variant Classification Sherloc (09022015). Collection method: clinical testing. Allele origin: germline.
Comment: This sequence change creates a premature translational stop signal (p.Arg366Lysfs*13) in the NF1 gene. It is expected to result in an absent or disrupted protein product. Loss-of-function variants in NF1 are known to be pathogenic (PMID: 10712197, 23913538). For these reasons, this variant has been classified as Pathogenic. This variant has not been reported in the literature in individuals affected with NF1-related conditions. This variant is not present in population databases (gnomAD no frequency).

Literature cited by the submitters: PubMed 10712197; PubMed 23913538.

NM_001042492.3(NF1):c.1096dup (p.Arg366fs)

Gene: NF1 (neurofibromin 1; plus strand). Cytogenetic location: 17q11.2.
Variant type: Duplication.
Coding change: c.1096dup on transcript NM_001042492.3 (MANE Select); coding-DNA position 1096, one base duplicated (A; older notation c.1096dupA).
Protein change: p.Arg366fs; shifts the reading frame from arginine 366.
Molecular consequence: frameshift variant.
Genome position (GRCh38, 1-based): chr17:31,201,070, A duplicated; the last of 2 consecutive A bases (chr17:31,201,069-31,201,070); duplicating either gives the same sequence. VCF-style (leftmost placement, unchanged base first): chr17-31201068-C-CA. GRCh37 (hg19) VCF-style: chr17-29528086-C-CA.
Other names: c.1096dup, p.Arg366Lysfs (NM_000267.4); c.1096dup, p.Arg366fs (NM_001128147.3); short protein forms R366fs.
Identifiers: ClinVar variation 1452781 (VCV001452781.6), dbSNP rs2143878810, ClinGen allele CA2573153551.